The following is an entry in ClinVar:

NM_000138.5(FBN1):c.3338-2A>G

Gene: FBN1 (fibrillin 1; minus strand). Cytogenetic location: 15q21.1.
Variant type: single nucleotide variant.
Coding change: c.3338-2A>G on transcript NM_000138.5 (MANE Select); the canonical splice acceptor site of the intron before coding-DNA position 3338, A replaced by G.
Molecular consequence: splice acceptor variant.
Genome position (GRCh38, 1-based): chr15:48,487,439, T>C on the plus strand (A>G on the coding strand, the complement: FBN1 is on the minus strand). VCF-style: chr15-48487439-T-C. GRCh37 (hg19) VCF-style: chr15-48779636-T-C.
Other names: c.3338-2A>G (NM_001406716.1, LRG_778t1).
Identifiers: ClinVar variation 1325493 (VCV001325493.2), dbSNP rs2141293812, ClinGen allele CA392326851.

ClinVar aggregate classification (germline): Likely pathogenic (1 of 4 stars; one submission).

Conditions:
Marfan syndrome (MFS). Also called: Marfan syndrome type 1; Marfan's syndrome; FBN1-Related Marfan Syndrome; MARFAN SYNDROME, TYPE I; Marfan syndrome, classic. Identifiers: Orphanet 284963, Orphanet 558, MedGen C0024796, MONDO:0007947, OMIM 154700.

Submission:

Centre of Medical Genetics, University of Antwerp
Classification: Likely pathogenic for Marfan syndrome. Last evaluated: 2021-03-01. Review status: criteria provided, single submitter. Criteria: Submitter's publication. Collection method: research. Allele origin: unknown. Affected: yes.
Comment: PM2, PS7, PP4